The following is an entry in ClinVar:

ClinVar aggregate classification (germline): Uncertain significance. Review status: criteria provided, multiple submitters, no conflicts (2 of 4 stars). 7 submissions from 7 submitters: Uncertain significance (4). 3 of the submissions do not count toward it. Last evaluated 2024-12-30.

Conditions:
Severe combined immunodeficiency due to DNA-PKcs deficiency. Also called: IMMUNODEFICIENCY 26 WITH NEUROLOGIC ABNORMALITIES; Immunodeficiency 26 with or without neurologic abnormalities. Identifiers: Orphanet 317425, MedGen C4014833, MONDO:0014423, OMIM 615966.
PRKDC-related disorder. Also called: PRKDC-related condition.

Allele frequency attached by ClinVar (database versions not stated): 1000 Genomes Project 30x 0.00016; TOPMed 0.00052; ESP Exome Variant Server 0.00057.
gnomAD v4.1: 1,484 of 1,611,482 alleles (0.092%); highest among the groups gnomAD compares: South Asian, 0.14%; 3 homozygotes.

Submissions (7):

Labcorp Genetics (formerly Invitae), Labcorp
Classification: Uncertain significance for Severe combined immunodeficiency due to DNA-PKcs deficiency. Last evaluated: 2024-12-30. Review status: criteria provided, single submitter. Criteria: Invitae Variant Classification Sherloc (09022015). Collection method: clinical testing. Allele origin: germline.
Comment: This sequence change replaces valine, which is neutral and non-polar, with leucine, which is neutral and non-polar, at codon 2888 of the PRKDC protein (p.Val2888Leu). This variant is present in population databases (rs185741285, gnomAD 0.1%), and has an allele count higher than expected for a pathogenic variant. This variant has not been reported in the literature in individuals affected with PRKDC-related conditions. ClinVar contains an entry for this variant (Variation ID: 656998). Invitae Evidence Modeling of protein sequence and biophysical properties (such as structural, functional, and spatial information, amino acid conservation, physicochemical variation, residue mobility, and thermodynamic stability) indicates that this missense variant is not expected to disrupt PRKDC protein function with a negative predictive value of 80%. In summary, the available evidence is currently insufficient to determine the role of this variant in disease. Therefore, it has been classified as a Variant of Uncertain Significance.

Blueprint Genetics
Classification: Uncertain significance. Last evaluated: 2024-11-13. Review status: criteria provided, single submitter. Criteria: ACMG Guidelines, 2015. Collection method: clinical testing. Allele origin: germline.

GeneDx
Classification: Uncertain significance. Last evaluated: 2024-03-08. Review status: criteria provided, single submitter. Criteria: GeneDx Variant Classification Process June 2021. Collection method: clinical testing. Allele origin: germline. Affected: yes.
Comment: Has not been previously published as pathogenic or benign to our knowledge; In silico analysis supports that this missense variant does not alter protein structure/function

Baylor Genetics
Classification: Uncertain significance for Severe combined immunodeficiency due to DNA-PKcs deficiency. Last evaluated: 2018-11-16. Review status: criteria provided, single submitter. Criteria: ACMG Guidelines, 2015. Collection method: clinical testing. Allele origin: maternal. Affected: yes.
Comment: This variant was determined to be of uncertain significance according to ACMG Guidelines, 2015 [PMID:25741868].

PreventionGenetics, part of Exact Sciences
Classification: Likely benign for PRKDC-related condition. Last evaluated: 2023-08-18. Review status: no assertion criteria provided. Collection method: clinical testing. Allele origin: germline. Not counted in ClinVar's aggregate classification.
Comment: This variant is classified as likely benign based on ACMG/AMP sequence variant interpretation guidelines (Richards et al. 2015 PMID: 25741868, with internal and published modifications).

Clinical Genetics DNA and cytogenetics Diagnostics Lab, Erasmus MC, Erasmus Medical Center
Classification: Likely benign. Review status: no assertion criteria provided. Collection method: clinical testing. Allele origin: germline. Affected: yes. Study: VKGL Data-share Consensus. Not counted in ClinVar's aggregate classification.

Genome Diagnostics Laboratory, University Medical Center Utrecht
Classification: Likely benign. Review status: no assertion criteria provided. Collection method: clinical testing. Allele origin: germline. Affected: yes. Study: VKGL Data-share Consensus. Not counted in ClinVar's aggregate classification.

NM_006904.7(PRKDC):c.8662G>C (p.Val2888Leu)

Genes: PRKDC (protein kinase, DNA-activated, catalytic subunit; minus strand), LOC121740717 (Sharpr-MPRA regulatory region 7649; plus strand). Cytogenetic location: 8q11.21.
Variant type: single nucleotide variant.
Coding change: c.8662G>C on transcript NM_006904.7 (MANE Select); coding-DNA position 8662, G replaced by C.
Protein change: p.Val2888Leu; replaces valine 2888 with leucine.
Molecular consequence: missense variant.
Genome position (GRCh38, 1-based): chr8:47,826,777, C>G on the plus strand (G>C on the coding strand, the complement: PRKDC is on the minus strand). VCF-style: chr8-47826777-C-G. GRCh37 (hg19) VCF-style: chr8-48739338-C-G.
Other names: c.8662G>C, p.Val2888Leu (NM_001081640.2); short protein forms V2888L.
Identifiers: ClinVar variation 656998 (VCV000656998.11), dbSNP rs185741285, ClinGen allele CA4739767.